The following is an entry in ClinVar:

NM_000243.3(MEFV):c.2078TGA[3] (p.Met694_Lys695insMet)

Genes: MEFV (MEFV innate immunity regulator, pyrin; minus strand), LOC126862264 (CDK7 strongly-dependent group 2 enhancer GRCh37_chr16:3293322-3294521; plus strand). Cytogenetic location: 16p13.3.
Variant type: Microsatellite.
Coding change: c.2078TGA[3] on transcript NM_000243.3 (MANE Select); three copies in a row of the 3-base unit TGA starting at c.2078; the reference has two copies in a row; one copy, 3 bases duplicated.
Protein change: p.Met694_Lys695insMet.
Molecular consequence: inframe insertion. On other transcripts: inframe indel (2), 3 prime UTR variant (1).
Genome position (GRCh38, 1-based): chr16:3,243,404-3,243,406, TCA duplicated on the plus strand (TGA on the coding strand, the reverse complement: MEFV is on the minus strand); duplicating any 3 consecutive bases within chr16:3,243,404-3,243,410 gives the same sequence; the position shown is the placement nearest the transcript's 3' end. VCF-style (leftmost placement, unchanged base first): chr16-3243403-T-TTCA. GRCh37 (hg19) VCF-style: chr16-3293403-T-TTCA.
Other names: c.2077_2079ATG[3], p.Met694_Lys695insMet (NM_000243.2); c.*282TGA[3] (NM_001198536.2); c.2081_2083dupTGA (NM_000243.2).
Identifiers: ClinVar variation 1785563 (VCV001785563.2), dbSNP rs104895091, ClinGen allele CA2580613406.

ClinVar aggregate classification (germline): Uncertain significance (1 of 4 stars; one submission).

Conditions:
Inborn genetic diseases. Identifiers: MedGen C0950123, MeSH D030342.

Submission:

Ambry Genetics
Classification: Uncertain significance for Inborn genetic diseases. Last evaluated: 2014-09-23. Review status: criteria provided, single submitter. Criteria: Ambry Variant Classification Scheme 2023. Collection method: clinical testing. Allele origin: germline.
Comment: The c2081_2083dupTGA variant is located in coding exon 10 of the MEFV gene. This variant results from an in-frame duplication of three nucleotides between positions 2081 and 2083. This variant was not reported in population based cohorts in the following databases: Database of Single Nucleotide Polymorphisms (dbSNP), NHLBI Exome Sequencing Project (ESP), and 1000 Genomes Project. In the ESP, this variant was not observed in 6497 samples (12994 alleles) with coverage at this position. These nucleotide positions are poorly conserved in available vertebrate species. Since supporting evidence is limited at this time, the clinical significance of this variant remains unclear.